The following is an entry in ClinVar:

NM_005505.5(SCARB1):c.91A>T (p.Met31Leu)

Genes: SCARB1 (scavenger receptor class B member 1; minus strand), LOC130009157 (ATAC-STARR-seq lymphoblastoid silent region 5067; plus strand). Cytogenetic location: 12q24.31.
Variant type: single nucleotide variant.
Coding change: c.91A>T on transcript NM_005505.5 (MANE Select); coding-DNA position 91, A replaced by T.
Protein change: p.Met31Leu; replaces methionine 31 with leucine.
Molecular consequence: missense variant. On other transcripts: non-coding transcript variant (9).
Genome position (GRCh38, 1-based): chr12:124,863,630, T>A on the plus strand (A>T on the coding strand, the complement: SCARB1 is on the minus strand). VCF-style: chr12-124863630-T-A. GRCh37 (hg19) VCF-style: chr12-125348176-T-A.
Other names: c.91A>T, p.Met31Leu (NM_001082959.2, NM_001367981.1, NM_001367983.1 and 6 more transcripts); short protein forms M31L.
Identifiers: ClinVar variation 3006072 (VCV003006072.3), dbSNP rs2548233010, ClinGen allele CA387214992.

ClinVar aggregate classification (germline): Uncertain significance (1 of 4 stars; one submission).

Allele frequency attached by ClinVar (database versions not stated): gnomAD exomes below 0.00001.
gnomAD v4.1: 4 of 1,600,580 alleles (0.00025%); highest among the groups gnomAD compares: African/African-American, 0.0014%; no homozygotes.

Submission:

Labcorp Genetics (formerly Invitae), Labcorp
Classification: Uncertain significance. Last evaluated: 2023-08-11. Review status: criteria provided, single submitter. Criteria: Invitae Variant Classification Sherloc (09022015). Collection method: clinical testing. Allele origin: germline.
Comment: In summary, the available evidence is currently insufficient to determine the role of this variant in disease. Therefore, it has been classified as a Variant of Uncertain Significance. Advanced modeling of protein sequence and biophysical properties (such as structural, functional, and spatial information, amino acid conservation, physicochemical variation, residue mobility, and thermodynamic stability) performed at Invitae indicates that this missense variant is not expected to disrupt SCARB1 protein function. This variant has not been reported in the literature in individuals affected with SCARB1-related conditions. This variant is not present in population databases (gnomAD no frequency). This sequence change replaces methionine, which is neutral and non-polar, with leucine, which is neutral and non-polar, at codon 31 of the SCARB1 protein (p.Met31Leu).